The following is an entry in ClinVar:

NM_001082486.2(ACD):c.1079C>T (p.Ala360Val)

Gene: ACD (ACD shelterin complex subunit and telomerase recruitment factor; minus strand). Cytogenetic location: 16q22.1.
Variant type: single nucleotide variant.
Coding change: c.1079C>T on transcript NM_001082486.2 (MANE Select); coding-DNA position 1079, C replaced by T.
Protein change: p.Ala360Val; replaces alanine 360 with valine.
Molecular consequence: missense variant.
Genome position (GRCh38, 1-based): chr16:67,658,113, G>A on the plus strand (C>T on the coding strand, the complement: ACD is on the minus strand). VCF-style: chr16-67658113-G-A. GRCh37 (hg19) VCF-style: chr16-67692016-G-A.
Other names: c.992C>T, p.Ala331Val (NM_001410884.1); c.1070C>T, p.Ala357Val (NM_022914.3); short protein forms A331V, A357V, A360V.
Identifiers: ClinVar variation 1770267 (VCV001770267.3), dbSNP rs2543598685, ClinGen allele CA396352193.

ClinVar aggregate classification (germline): Uncertain significance. Review status: criteria provided, multiple submitters, no conflicts (2 of 4 stars). 2 submissions from 2 submitters: Uncertain significance (2). Last evaluated 2026-01-25.

Conditions:
Inborn genetic diseases. Identifiers: MedGen C0950123, MeSH D030342.
Dyskeratosis congenita, autosomal dominant 6 (DKCA6). Identifiers: Orphanet 3322, MedGen C4225284, MONDO:0014690, OMIM 616553.

Submissions (2):

Labcorp Genetics (formerly Invitae), Labcorp
Classification: Uncertain significance for Dyskeratosis congenita, autosomal dominant 6. Last evaluated: 2026-01-25. Review status: criteria provided, single submitter. Criteria: Invitae Variant Classification Sherloc (09022015). Collection method: clinical testing. Allele origin: germline.
Comment: This sequence change replaces alanine, which is neutral and non-polar, with valine, which is neutral and non-polar, at codon 446 of the ACD protein (p.Ala446Val). This variant is not present in population databases (gnomAD no frequency). This variant has not been reported in the literature in individuals affected with ACD-related conditions. ClinVar contains an entry for this variant (Variation ID: 1770267). Invitae Evidence Modeling of protein sequence and biophysical properties (such as structural, functional, and spatial information, amino acid conservation, physicochemical variation, residue mobility, and thermodynamic stability) indicates that this missense variant is not expected to disrupt ACD protein function with a negative predictive value of 80%. In summary, the available evidence is currently insufficient to determine the role of this variant in disease. Therefore, it has been classified as a Variant of Uncertain Significance.

Ambry Genetics
Classification: Uncertain significance for Inborn genetic diseases. Last evaluated: 2022-01-02. Review status: criteria provided, single submitter. Criteria: Ambry Variant Classification Scheme 2023. Collection method: clinical testing. Allele origin: germline.
Comment: The p.A446V variant (also known as c.1337C>T), located in coding exon 10 of the ACD gene, results from a C to T substitution at nucleotide position 1337. The alanine at codon 446 is replaced by valine, an amino acid with similar properties. This amino acid position is conserved. In addition, this alteration is predicted to be tolerated by in silico analysis. Since supporting evidence is limited at this time, the clinical significance of this alteration remains unclear.